The following is an entry in ClinVar:

NM_001164508.2(NEB):c.14144A>G (p.Asp4715Gly)

Gene: NEB (nebulin; minus strand). Cytogenetic location: 2q23.3.
Variant type: single nucleotide variant.
Coding change: c.14144A>G on transcript NM_001164508.2 (MANE Select); coding-DNA position 14144, A replaced by G.
Protein change: p.Asp4715Gly; replaces aspartic acid 4715 with glycine.
Molecular consequence: missense variant. On other transcripts: intron variant (1).
Genome position (GRCh38, 1-based): chr2:151,596,121, T>C on the plus strand (A>G on the coding strand, the complement: NEB is on the minus strand). VCF-style: chr2-151596121-T-C. GRCh37 (hg19) VCF-style: chr2-152452635-T-C.
Other names: c.14144A>G, p.Asp4715Gly (NM_001164507.2, NM_001271208.2); c.11601+13688A>G (NM_004543.5); short protein forms D4715G.
Identifiers: ClinVar variation 516972 (VCV000516972.1), dbSNP rs1553861549, ClinGen allele CA348766789.
Genomic context (GRCh38, chr2:151,596,121, plus strand): 5'-TCACTGGCAATTTCTCTGGAGGCCTTGGCGTGCTTGATTTCAATGGCATCTGCCCTTATG[T>C]CATAGCCTTTCTGCTTGGTGTCATTCCAGTCTTTTTGGTAGAGTTTCTATAGAGGGAAAA-3'
Protein context (NP_001157980.2, residues 4705-4725): DWNDTKQKGY[Asp4715Gly]IRADAIEIKH

ClinVar aggregate classification (germline): Likely benign (1 of 4 stars; one submission).

Allele frequency attached by ClinVar (database versions not stated): gnomAD exomes 0.00107.
gnomAD v4.1: 2 of 1,942 alleles (0.1%); highest among the groups gnomAD compares: Non-Finnish European, 0.16%; no homozygotes.

Submission:

GeneDx
Classification: Likely benign. Last evaluated: 2018-02-28. Review status: criteria provided, single submitter. Criteria: GeneDx Variant Classification (06012015). Collection method: clinical testing. Allele origin: germline. Affected: yes.
Comment: This variant is considered likely benign or benign based on one or more of the following criteria: it is a conservative change, it occurs at a poorly conserved position in the protein, it is predicted to be benign by multiple in silico algorithms, and/or has population frequency not consistent with disease.